The following is an entry in ClinVar:

NM_004655.4(AXIN2):c.2462T>C (p.Ile821Thr)

Gene: AXIN2 (axin 2; minus strand). Cytogenetic location: 17q24.1.
Variant type: single nucleotide variant.
Coding change: c.2462T>C on transcript NM_004655.4 (MANE Select); coding-DNA position 2462, T replaced by C.
Protein change: p.Ile821Thr; replaces isoleucine 821 with threonine.
Molecular consequence: missense variant.
Genome position (GRCh38, 1-based): chr17:65,530,046, A>G on the plus strand (T>C on the coding strand, the complement: AXIN2 is on the minus strand). VCF-style: chr17-65530046-A-G. GRCh37 (hg19) VCF-style: chr17-63526164-A-G.
Other names: c.2267T>C, p.Ile756Thr (NM_001363813.1); short protein forms I756T, I821T.
Identifiers: ClinVar variation 1972070 (VCV001972070.7), dbSNP rs2509368565, ClinGen allele CA400674858.
Genomic context (GRCh38, chr17:65,530,046, plus strand): 5'-CGCTCCACTTTGCCCAGAATCCGGCCTTCATACATCGGGAGCACCGTCTCATCCTCCCAG[A>G]TCTCCTCAAACACCGCTCCACAGGCAAACTCATCGCTTGCTTTTTTGAAGTAATACCTTA-3'
Protein context (NP_004646.3, residues 811-831): EFACGAVFEE[Ile821Thr]WEDETVLPMY

ClinVar aggregate classification (germline): Uncertain significance. Review status: criteria provided, multiple submitters, no conflicts (2 of 4 stars). 3 submissions from 3 submitters: Uncertain significance (3). Last evaluated 2026-03-17.

Conditions:
Hereditary cancer-predisposing syndrome. Also called: Neoplastic Syndromes, Hereditary; Tumor predisposition; Hereditary Cancer Syndrome; Hereditary neoplastic syndrome. Identifiers: Orphanet 140162, MedGen C0027672, MeSH D009386, MONDO:0015356.
Colorectal cancer. Also called: Colorectal cancer, somatic; Malignant Colorectal Neoplasm. Identifiers: MedGen C0346629, MONDO:0005575, OMIM 114500.
Oligodontia-cancer predisposition syndrome. Also called: TOOTH AGENESIS-COLORECTAL CANCER SYNDROME. Identifiers: Orphanet 300576, MedGen C1837750, MONDO:0012075, OMIM 608615. Disease mechanism: loss of function.

Submissions (3):

Ambry Genetics
Classification: Uncertain significance for Hereditary cancer-predisposing syndrome. Last evaluated: 2026-03-17. Review status: criteria provided, single submitter. Criteria: Ambry Variant Classification Scheme 2023. Collection method: clinical testing. Allele origin: germline.
Comment: The p.I821T variant (also known as c.2462T>C), located in coding exon 10 of the AXIN2 gene, results from a T to C substitution at nucleotide position 2462. The isoleucine at codon 821 is replaced by threonine, an amino acid with similar properties. This amino acid position is conserved. In addition, the in silico prediction for this alteration is inconclusive. Based on the available evidence, the clinical significance of this variant remains unclear.

Baylor Genetics
Classification: Uncertain significance for Colorectal cancer. Last evaluated: 2024-03-08. Review status: criteria provided, single submitter. Criteria: ACMG Guidelines, 2015. Collection method: clinical testing. Allele origin: unknown.

Labcorp Genetics (formerly Invitae), Labcorp
Classification: Uncertain significance for Oligodontia-cancer predisposition syndrome. Last evaluated: 2023-12-03. Review status: criteria provided, single submitter. Criteria: Invitae Variant Classification Sherloc (09022015). Collection method: clinical testing. Allele origin: germline.
Comment: This sequence change replaces isoleucine, which is neutral and non-polar, with threonine, which is neutral and polar, at codon 821 of the AXIN2 protein (p.Ile821Thr). This variant is not present in population databases (gnomAD no frequency). This variant has not been reported in the literature in individuals affected with AXIN2-related conditions. ClinVar contains an entry for this variant (Variation ID: 1972070). Advanced modeling of protein sequence and biophysical properties (such as structural, functional, and spatial information, amino acid conservation, physicochemical variation, residue mobility, and thermodynamic stability) has been performed at Invitae for this missense variant, however the output from this modeling did not meet the statistical confidence thresholds required to predict the impact of this variant on AXIN2 protein function. In summary, the available evidence is currently insufficient to determine the role of this variant in disease. Therefore, it has been classified as a Variant of Uncertain Significance.